The following is an entry in ClinVar:

ClinVar aggregate classification (germline): Pathogenic (1 of 4 stars; one submission).

Submission:

Labcorp Genetics (formerly Invitae), Labcorp
Classification: Pathogenic. Last evaluated: 2022-08-08. Review status: criteria provided, single submitter. Criteria: Invitae Variant Classification Sherloc (09022015). Collection method: clinical testing. Allele origin: germline.
Comment: This variant has not been reported in the literature in individuals affected with STAG1-related conditions. For these reasons, this variant has been classified as Pathogenic. This variant is a gross deletion of the genomic region encompassing exon(s) 10-14 of the STAG1 gene. This deletion is out-of-frame, and is expected to create a premature termination codon and result in an absent or disrupted protein product. Loss-of-function variants in STAG1 are known to be pathogenic (PMID: 28119487).

Literature cited by the submitters: PubMed 28119487.

NC_000003.12:g.(?_136452033)_(136477412_?)del

Gene: STAG1 (STAG1 cohesin complex component; minus strand). Cytogenetic location: 3q22.3.
Variant type: Deletion.
Identifiers: ClinVar variation 830788 (VCV000830788.8).